The following is an entry in ClinVar:

ClinVar aggregate classification (germline): Uncertain significance (1 of 4 stars; one submission).

Conditions:
Inborn genetic diseases. Identifiers: MedGen C0950123, MeSH D030342.

Submission:

Ambry Genetics
Classification: Uncertain significance for Inborn genetic diseases. Last evaluated: 2026-08-31. Review status: criteria provided, single submitter. Criteria: Ambry Variant Classification Scheme 2023. Collection method: clinical testing. Allele origin: germline.
Comment: The p.T445R variant (also known as c.1334C>G), located in coding exon 7 of the LTBP3 gene, results from a C to G substitution at nucleotide position 1334. The threonine at codon 445 is replaced by arginine, an amino acid with similar properties. This amino acid position is conserved. In addition, the in silico prediction for this alteration is inconclusive. Based on the available evidence, the clinical significance of this variant remains unclear.

NM_001130144.3(LTBP3):c.1334C>G (p.Thr445Arg)

Gene: LTBP3 (latent transforming growth factor beta binding protein 3; minus strand). Cytogenetic location: 11q13.1.
Variant type: single nucleotide variant.
Coding change: c.1334C>G on transcript NM_001130144.3 (MANE Select); coding-DNA position 1334, C replaced by G.
Protein change: p.Thr445Arg; replaces threonine 445 with arginine.
Molecular consequence: missense variant.
Genome position (GRCh38, 1-based): chr11:65,552,259, G>C on the plus strand (C>G on the coding strand, the complement: LTBP3 is on the minus strand). VCF-style: chr11-65552259-G-C. GRCh37 (hg19) VCF-style: chr11-65319730-G-C.
Other names: c.983C>G, p.Thr328Arg (NM_001164266.1); c.1334C>G, p.Thr445Arg (NM_021070.4); short protein forms T328R, T445R.
Identifiers: ClinVar variation 5023717 (VCV005023717.1).